The following is an entry in ClinVar:

ClinVar aggregate classification (germline): Uncertain significance. Review status: criteria provided, multiple submitters, no conflicts (2 of 4 stars). 2 submissions from 2 submitters: Uncertain significance (2). Last evaluated 2026-02-17.

Conditions:
Inborn genetic diseases. Identifiers: MedGen C0950123, MeSH D030342.
Pitt-Hopkins syndrome (PTHS). Also called: MENTAL RETARDATION, SYNDROMAL, WITH INTERMITTENT HYPERVENTILATION; ENCEPHALOPATHY, SEVERE EPILEPTIC, WITH AUTONOMIC DYSFUNCTION. Identifiers: Orphanet 2896, MedGen C1970431, MONDO:0012589, OMIM 610954.

Allele frequency attached by ClinVar (database versions not stated): gnomAD 0.00001; TOPMed 0.00001.
gnomAD v4.1: 2 of 1,613,796 alleles (0.00012%); highest among the groups gnomAD compares: African/African-American, 0.0027%; no homozygotes.

Submissions (2):

Ambry Genetics
Classification: Uncertain significance for Inborn genetic diseases. Last evaluated: 2026-02-17. Review status: criteria provided, single submitter. Criteria: Ambry Variant Classification Scheme 2023. Collection method: clinical testing. Allele origin: germline.
Comment: The c.699G>A (p.M233I) alteration is located in exon 10 (coding exon 9) of the TCF4 gene. This alteration results from a G to A substitution at nucleotide position 699, causing the methionine (M) at amino acid position 233 to be replaced by an isoleucine (I). Based on data from gnomAD, the A allele has an overall frequency of 0.003% (1/31398) total alleles studied. The highest observed frequency was 0.012% (1/8708) of African alleles. Based on insufficient or conflicting evidence, the clinical significance of this alteration remains unclear.

Labcorp Genetics (formerly Invitae), Labcorp
Classification: Uncertain significance for Pitt-Hopkins syndrome. Last evaluated: 2025-01-20. Review status: criteria provided, single submitter. Criteria: Invitae Variant Classification Sherloc (09022015). Collection method: clinical testing. Allele origin: germline.
Comment: This sequence change replaces methionine, which is neutral and non-polar, with isoleucine, which is neutral and non-polar, at codon 233 of the TCF4 protein (p.Met233Ile). This variant is present in population databases (no rsID available, gnomAD 0.01%). This variant has not been reported in the literature in individuals affected with TCF4-related conditions. ClinVar contains an entry for this variant (Variation ID: 2895822). Invitae Evidence Modeling of protein sequence and biophysical properties (such as structural, functional, and spatial information, amino acid conservation, physicochemical variation, residue mobility, and thermodynamic stability) indicates that this missense variant is not expected to disrupt TCF4 protein function with a negative predictive value of 95%. In summary, the available evidence is currently insufficient to determine the role of this variant in disease. Therefore, it has been classified as a Variant of Uncertain Significance.

NM_001083962.2(TCF4):c.699G>A (p.Met233Ile)

Gene: TCF4 (transcription factor 4; minus strand). Cytogenetic location: 18q21.2.
Variant type: single nucleotide variant.
Coding change: c.699G>A on transcript NM_001083962.2 (MANE Select); coding-DNA position 699, G replaced by A.
Protein change: p.Met233Ile; replaces methionine 233 with isoleucine.
Molecular consequence: missense variant.
Genome position (GRCh38, 1-based): chr18:55,275,709, C>T on the plus strand (G>A on the coding strand, the complement: TCF4 is on the minus strand). VCF-style: chr18-55275709-C-T. GRCh37 (hg19) VCF-style: chr18-52942940-C-T.
Other names: c.717G>A, p.Met239Ile (NM_001243228.2); c.693G>A, p.Met231Ile (NM_001243230.2); c.573G>A, p.Met191Ile (NM_001243231.2, NM_001348211.2); c.486G>A, p.Met162Ile (NM_001243232.1, NM_001306208.1); c.309G>A, p.Met103Ile (NM_001243233.2, NM_001330605.3, NM_001348212.2 and 1 more transcripts); c.219G>A, p.Met73Ile (NM_001243234.2, NM_001243235.2, NM_001243236.2 and 2 more transcripts); c.627G>A, p.Met209Ile (NM_001306207.1, NM_001348218.2, NM_001348219.2 and 9 more transcripts); c.624G>A, p.Met208Ile (NM_001348220.1, NM_001369584.1, NM_001369585.1 and 3 more transcripts); and 5 more; short protein forms M103I, M232I, M335I, M209I, M233I, M239I, M162I, M17I.
Identifiers: ClinVar variation 2895822 (VCV002895822.4), dbSNP rs1233945994, ClinGen allele CA402701591.